The following is an entry in ClinVar:

ClinVar aggregate classification (germline): Uncertain significance (1 of 4 stars; one submission).

Conditions:
Charcot-Marie-Tooth disease axonal type 2O. Also called: Charcot-Marie-Tooth disease, axonal, type 20; CHARCOT-MARIE-TOOTH NEUROPATHY, AXONAL, TYPE 2O; CHARCOT-MARIE-TOOTH DISEASE, AXONAL, AUTOSOMAL DOMINANT, TYPE 2O; Charcot-Marie-Tooth Neuropathy Type 2O. Identifiers: Orphanet 284232, MedGen C3280220, MONDO:0013644, OMIM 614228.

Submission:

Labcorp Genetics (formerly Invitae), Labcorp
Classification: Uncertain significance for Charcot-Marie-Tooth disease axonal type 2O. Last evaluated: 2022-03-19. Review status: criteria provided, single submitter. Criteria: Invitae Variant Classification Sherloc (09022015). Collection method: clinical testing. Allele origin: germline.
Comment: This variant has not been reported in the literature in individuals affected with DYNC1H1-related conditions. This variant is not present in population databases (gnomAD no frequency). This sequence change replaces valine, which is neutral and non-polar, with leucine, which is neutral and non-polar, at codon 4437 of the DYNC1H1 protein (p.Val4437Leu). In summary, the available evidence is currently insufficient to determine the role of this variant in disease. Therefore, it has been classified as a Variant of Uncertain Significance. Advanced modeling of protein sequence and biophysical properties (such as structural, functional, and spatial information, amino acid conservation, physicochemical variation, residue mobility, and thermodynamic stability) performed at Invitae indicates that this missense variant is not expected to disrupt DYNC1H1 protein function.

NM_001376.5(DYNC1H1):c.13309G>C (p.Val4437Leu)

Gene: DYNC1H1 (dynein cytoplasmic 1 heavy chain 1; plus strand). Cytogenetic location: 14q32.31.
Variant type: single nucleotide variant.
Coding change: c.13309G>C on transcript NM_001376.5 (MANE Select); coding-DNA position 13309, G replaced by C.
Protein change: p.Val4437Leu; replaces valine 4437 with leucine.
Molecular consequence: missense variant.
Genome position (GRCh38, 1-based): chr14:102,048,606, G>C. VCF-style: chr14-102048606-G-C. GRCh37 (hg19) VCF-style: chr14-102514943-G-C.
Other names: short protein forms V4437L.
Identifiers: ClinVar variation 2114512 (VCV002114512.4), dbSNP rs2503884107, ClinGen allele CA391048255.